The following is an entry in ClinVar:

ClinVar aggregate classification (germline): Likely benign. Review status: criteria provided, multiple submitters, no conflicts (2 of 4 stars). 5 submissions from 5 submitters: Likely benign (3). 2 of the submissions do not count toward it. Last evaluated 2026-08-06.

Conditions:
XYLT1-related disorder. Also called: XYLT1-related condition.
Desbuquois dysplasia 1 (DBQD1). Also called: DESBUQUOIS DYSPLASIA 1, KIM VARIANT; MICROMELIC DWARFISM WITH VERTEBRAL AND METAPHYSEAL ABNORMALITIES AND ADVANCED CARPOTARSAL OSSIFICATION. Identifiers: Orphanet 1425, MedGen C4012146, MONDO:0009629, OMIM 251450.

Allele frequency attached by ClinVar (database versions not stated): ExAC below 0.00001; gnomAD exomes 0.00010; gnomAD 0.00130 and 0.00139; 1000 Genomes Project 30x 0.00141; TOPMed 0.00150; 1000 Genomes Project 0.00160.
gnomAD v4.1: 321 of 1,231,668 alleles (0.026%); highest among the groups gnomAD compares: African/African-American, 0.44%; 1 homozygote.

Submissions (5):

PreventionGenetics, part of Exact Sciences
Classification: Likely benign for XYLT1-related condition. Last evaluated: 2026-08-06. Review status: criteria provided, single submitter. Criteria: ACMG Guidelines, 2015. Collection method: clinical testing. Allele origin: germline.
Comment: This variant is classified as likely benign based on ACMG/AMP sequence variant interpretation guidelines (Richards et al. 2015 PMID: 25741868, with internal and published modifications).

Labcorp Genetics (formerly Invitae), Labcorp
Classification: Likely benign for Desbuquois dysplasia 1. Last evaluated: 2026-01-26. Review status: criteria provided, single submitter. Criteria: Invitae Variant Classification Sherloc (09022015). Collection method: clinical testing. Allele origin: germline.

Blueprint Genetics
Classification: Likely benign. Last evaluated: 2024-11-14. Review status: criteria provided, single submitter. Criteria: ACMG Guidelines, 2015. Collection method: clinical testing. Allele origin: germline.

Clinical Genetics DNA and cytogenetics Diagnostics Lab, Erasmus MC, Erasmus Medical Center
Classification: Likely benign. Review status: no assertion criteria provided. Collection method: clinical testing. Allele origin: germline. Affected: yes. Study: VKGL Data-share Consensus. Not counted in ClinVar's aggregate classification.

Laboratory of Diagnostic Genome Analysis, Leiden University Medical Center (LUMC)
Classification: Likely benign. Review status: no assertion criteria provided. Collection method: clinical testing. Allele origin: germline. Affected: yes. Study: VKGL Data-share Consensus. Not counted in ClinVar's aggregate classification.

NM_022166.4(XYLT1):c.307G>A (p.Gly103Arg)

Gene: XYLT1 (xylosyltransferase 1; minus strand). Cytogenetic location: 16p12.3.
Variant type: single nucleotide variant.
Coding change: c.307G>A on transcript NM_022166.4 (MANE Select); coding-DNA position 307, G replaced by A.
Protein change: p.Gly103Arg; replaces glycine 103 with arginine.
Molecular consequence: missense variant.
Genome position (GRCh38, 1-based): chr16:17,470,490, C>T on the plus strand (G>A on the coding strand, the complement: XYLT1 is on the minus strand). VCF-style: chr16-17470490-C-T. GRCh37 (hg19) VCF-style: chr16-17564347-C-T.
Other names: short protein forms G103R.
Identifiers: ClinVar variation 776986 (VCV000776986.15), dbSNP rs370511358, ClinGen allele CA7928283.
Genomic context (GRCh38, chr16:17,470,490, plus strand): 5'-TTACCAGAGCCCGGGCGGGCAGTGCCCCCCGGCTGGCCGGCTGCTGTCCCCGCGGTTCTC[C>T]GGGGCCGCCTCCCCGCGCCCGCGCCTGGGGCCCCCGTCCTCCTCCTCCTCCGCCGCCGCC-3'
Protein context (NP_071449.1, residues 93-113): PQARARGGGP[Gly103Arg]EPRGQQPASR